The following is an entry in ClinVar:

NM_015213.4(DENND5A):c.880G>A (p.Gly294Arg)

Gene: DENND5A (DENN domain containing 5A; minus strand). Cytogenetic location: 11p15.4.
Variant type: single nucleotide variant.
Coding change: c.880G>A on transcript NM_015213.4 (MANE Select); coding-DNA position 880, G replaced by A.
Protein change: p.Gly294Arg; replaces glycine 294 with arginine.
Molecular consequence: missense variant. On other transcripts: non-coding transcript variant (1).
Genome position (GRCh38, 1-based): chr11:9,203,729, C>T on the plus strand (G>A on the coding strand, the complement: DENND5A is on the minus strand). VCF-style: chr11-9203729-C-T. GRCh37 (hg19) VCF-style: chr11-9225276-C-T.
Other names: c.880G>A, p.Gly294Arg (NM_001243254.2, NM_001348748.1); c.808G>A, p.Gly270Arg (NM_001348749.2); c.592G>A, p.Gly198Arg (NM_001348750.2); c.880G>A (NM_015213.3); short protein forms G294R, G270R, G198R.
Identifiers: ClinVar variation 1901005 (VCV001901005.3), dbSNP rs745332882, ClinGen allele CA5877738.

ClinVar aggregate classification (germline): Uncertain significance. Review status: criteria provided, multiple submitters, no conflicts (2 of 4 stars). 2 submissions from 2 submitters: Uncertain significance (2). Last evaluated 2025-11-20.

Conditions:
Inborn genetic diseases. Identifiers: MedGen C0950123, MeSH D030342.

Allele frequency attached by ClinVar (database versions not stated): gnomAD exomes 0.00001; gnomAD 0.00003; TOPMed 0.00003; ExAC 0.00001.
gnomAD v4.1: 12 of 1,614,022 alleles (0.00074%); highest among the groups gnomAD compares: Admixed American, 0.0067%; no homozygotes.

Submissions (2):

Ambry Genetics
Classification: Uncertain significance for Inborn genetic diseases. Last evaluated: 2025-11-20. Review status: criteria provided, single submitter. Criteria: Ambry Variant Classification Scheme 2023. Collection method: clinical testing. Allele origin: germline.
Comment: The c.880G>A (p.G294R) alteration is located in exon 4 (coding exon 4) of the DENND5A gene. This alteration results from a G to A substitution at nucleotide position 880, causing the glycine (G) at amino acid position 294 to be replaced by an arginine (R). Based on data from gnomAD, the A allele has an overall frequency of 0.001% (3/250954) total alleles studied. The highest observed frequency was 0.016% (1/6120) of Other alleles. Based on insufficient or conflicting evidence, the clinical significance of this alteration remains unclear.

Labcorp Genetics (formerly Invitae), Labcorp
Classification: Uncertain significance. Last evaluated: 2022-07-04. Review status: criteria provided, single submitter. Criteria: Invitae Variant Classification Sherloc (09022015). Collection method: clinical testing. Allele origin: germline.
Comment: This sequence change replaces glycine, which is neutral and non-polar, with arginine, which is basic and polar, at codon 294 of the DENND5A protein (p.Gly294Arg). This variant is present in population databases (rs745332882, gnomAD 0.006%). This variant has not been reported in the literature in individuals affected with DENND5A-related conditions. Algorithms developed to predict the effect of missense changes on protein structure and function are either unavailable or do not agree on the potential impact of this missense change (SIFT: "Tolerated"; PolyPhen-2: "Probably Damaging"; Align-GVGD: "Class C0"). In summary, the available evidence is currently insufficient to determine the role of this variant in disease. Therefore, it has been classified as a Variant of Uncertain Significance.